The following is an entry in ClinVar:

ClinVar aggregate classification (germline): Uncertain significance (1 of 4 stars; one submission).

Conditions:
Inborn genetic diseases. Identifiers: MedGen C0950123, MeSH D030342.

Submission:

Ambry Genetics
Classification: Uncertain significance for Inborn genetic diseases. Last evaluated: 2023-11-23. Review status: criteria provided, single submitter. Criteria: Ambry Variant Classification Scheme 2023. Collection method: clinical testing. Allele origin: germline.
Comment: The p.S2191F variant (also known as c.6572C>T), located in coding exon 44 of the LRRK2 gene, results from a C to T substitution at nucleotide position 6572. The serine at codon 2191 is replaced by phenylalanine, an amino acid with highly dissimilar properties. This amino acid position is conserved. In addition, this alteration is predicted to be tolerated by in silico analysis. Since supporting evidence is limited at this time, the clinical significance of this alteration remains unclear.

NM_198578.4(LRRK2):c.6572C>T (p.Ser2191Phe)

Gene: LRRK2 (leucine rich repeat kinase 2; plus strand). Cytogenetic location: 12q12.
Variant type: single nucleotide variant.
Coding change: c.6572C>T on transcript NM_198578.4 (MANE Select); coding-DNA position 6572, C replaced by T.
Protein change: p.Ser2191Phe; replaces serine 2191 with phenylalanine.
Molecular consequence: missense variant.
Genome position (GRCh38, 1-based): chr12:40,351,729, C>T. VCF-style: chr12-40351729-C-T. GRCh37 (hg19) VCF-style: chr12-40745531-C-T.
Other names: short protein forms S2191F.
Identifiers: ClinVar variation 3229739 (VCV003229739.1), dbSNP rs2499982530, ClinGen allele CA384407635.